The following is an entry in ClinVar:

ClinVar aggregate classification (germline): Uncertain significance (1 of 4 stars; one submission).

Allele frequency attached by ClinVar (database versions not stated): TOPMed below 0.00001; gnomAD 0.00001; gnomAD exomes 0.00002.
gnomAD v4.1: 26 of 1,598,390 alleles (0.0016%); highest among the groups gnomAD compares: East Asian, 0.056%; no homozygotes.

Submission:

Labcorp Genetics (formerly Invitae), Labcorp
Classification: Uncertain significance. Last evaluated: 2023-02-01. Review status: criteria provided, single submitter. Criteria: Invitae Variant Classification Sherloc (09022015). Collection method: clinical testing. Allele origin: germline.
Comment: In summary, the available evidence is currently insufficient to determine the role of this variant in disease. Therefore, it has been classified as a Variant of Uncertain Significance. Algorithms developed to predict the effect of sequence changes on RNA splicing suggest that this variant may create or strengthen a splice site. This variant has not been reported in the literature in individuals affected with SCN3A-related conditions. This variant is not present in population databases (gnomAD no frequency). This sequence change affects codon 92 of the SCN3A mRNA. It is a 'silent' change, meaning that it does not change the encoded amino acid sequence of the SCN3A protein.

NM_006922.4(SCN3A):c.276A>G (p.Val92=)

Gene: SCN3A (sodium voltage-gated channel alpha subunit 3; minus strand). Cytogenetic location: 2q24.3.
Variant type: single nucleotide variant.
Coding change: c.276A>G on transcript NM_006922.4 (MANE Select); coding-DNA position 276, A replaced by G.
Protein change: p.Val92=; no amino-acid change (valine 92 retained).
Molecular consequence: synonymous variant.
Genome position (GRCh38, 1-based): chr2:165,170,537, T>C on the plus strand (A>G on the coding strand, the complement: SCN3A is on the minus strand). VCF-style: chr2-165170537-T-C. GRCh37 (hg19) VCF-style: chr2-166027047-T-C.
Other names: c.276A>G, p.Val92= (NM_001081676.2, NM_001081677.2).
Identifiers: ClinVar variation 2749844 (VCV002749844.3), dbSNP rs1332062213, ClinGen allele CA429931147.